The following is an entry in ClinVar:

ClinVar aggregate classification (germline): Likely benign (1 of 4 stars; one submission).

Allele frequency attached by ClinVar (database versions not stated): gnomAD 0.00001; gnomAD exomes 0.00001; TOPMed 0.00002; ExAC 0.00005.
gnomAD v4.1: 9 of 1,551,716 alleles (0.00058%); highest among the groups gnomAD compares: African/African-American, 0.0041%; no homozygotes.

Submission:

CeGaT Center for Human Genetics Tuebingen
Classification: Likely benign. Last evaluated: 2024-05-01. Review status: criteria provided, single submitter. Criteria: CeGaT Center For Human Genetics Tuebingen Variant Classification Criteria Version 2. Collection method: clinical testing. Allele origin: germline. Affected: yes. Observed: 1 variant allele.
Comment: SHANK2: BP4, BP7

NM_012309.5(SHANK2):c.480G>A (p.Thr160=)

Gene: SHANK2 (SH3 and multiple ankyrin repeat domains 2; minus strand). Cytogenetic location: 11q13.4.
Variant type: single nucleotide variant.
Coding change: c.480G>A on transcript NM_012309.5 (MANE Select); coding-DNA position 480, G replaced by A.
Protein change: p.Thr160=; no amino-acid change (threonine 160 retained).
Molecular consequence: synonymous variant.
Genome position (GRCh38, 1-based): chr11:71,113,296, C>T on the plus strand (G>A on the coding strand, the complement: SHANK2 is on the minus strand). VCF-style: chr11-71113296-C-T. GRCh37 (hg19) VCF-style: chr11-70824342-C-T.
Identifiers: ClinVar variation 3239256 (VCV003239256.19), dbSNP rs782595362.